The following is an entry in ClinVar:

NM_001267550.2(TTN):c.68632G>A (p.Val22878Met)

Genes: TTN (titin; minus strand), TTN-AS1 (TTN antisense RNA 1; plus strand). Cytogenetic location: 2q31.2.
Variant type: single nucleotide variant.
Coding change: c.68632G>A on transcript NM_001267550.2 (MANE Select); coding-DNA position 68632, G replaced by A.
Protein change: p.Val22878Met; replaces valine 22878 with methionine.
Molecular consequence: missense variant.
Genome position (GRCh38, 1-based): chr2:178,577,794, C>T on the plus strand (G>A on the coding strand, the complement: TTN is on the minus strand). VCF-style: chr2-178577794-C-T. GRCh37 (hg19) VCF-style: chr2-179442521-C-T.
Other names: c.68632G>A (LRG_391t1); c.63709G>A, p.Val21237Met (NM_001256850.1); c.41437G>A, p.Val13813Met (NM_003319.4); c.60928G>A, p.Val20310Met (NM_133378.4); c.41812G>A, p.Val13938Met (NM_133432.3); c.42013G>A, p.Val14005Met (NM_133437.4); short protein forms V22878M, V13938M, V20310M, V21237M, V13813M, V14005M.
Identifiers: ClinVar variation 586896 (VCV000586896.11), dbSNP rs764263517, ClinGen allele CA1991062.

ClinVar aggregate classification (germline): Conflicting classifications of pathogenicity. Review status: criteria provided, conflicting classifications (1 of 4 stars). 10 submissions from 6 submitters: Uncertain significance (5); Benign (2); Likely benign (3). Last evaluated 2026-03-10.

Conditions:
Tibial muscular dystrophy (TMD). Also called: Tibial muscular dystrophy, tardive; Udd Distal Myopathy – Tibial Muscular Dystrophy; UDD MYOPATHY. Identifiers: Orphanet 609, MedGen C1838244, MONDO:0010870, OMIM 600334.
TTN-related disorder. Also called: TTN-related condition; TTN-related disease; TTN-related disorders.
Cardiovascular phenotype. Identifiers: MedGen CN230736.
Myopathy, myofibrillar, 9, with early respiratory failure (MFM9). Also called: Myopathy, distal, with early respiratory failure, autosomal dominant; Hereditary myopathy with early respiratory failure; EDSTROM MYOPATHY; MYOPATHY, PROXIMAL, WITH EARLY RESPIRATORY MUSCLE INVOLVEMENT. Identifiers: Orphanet 178464, Orphanet 34521, MedGen C1863599, MONDO:0011362, OMIM 603689.
Early-onset myopathy with fatal cardiomyopathy (CMYO5). Also called: CONGENITAL MYOPATHY 5 WITH CARDIOMYOPATHY; Salih Myopathy. Identifiers: Orphanet 289377, MedGen C2673677, MONDO:0012714, OMIM 611705. Disease mechanism: loss of function.
Autosomal recessive limb-girdle muscular dystrophy type 2J (LGMDR10). Also called: MUSCULAR DYSTROPHY, LIMB-GIRDLE, AUTOSOMAL RECESSIVE 10; Limb-girdle muscular dystrophy, type 2J. Identifiers: Orphanet 140922, MedGen C1837342, MONDO:0012127, OMIM 608807.
Dilated cardiomyopathy 1G (CMD1G). Identifiers: Orphanet 154, MedGen C1858763, MONDO:0011400, OMIM 604145.

Allele frequency attached by ClinVar (database versions not stated): gnomAD 0.00002; TOPMed 0.00002; gnomAD exomes 0.00004 and 0.00011; ExAC 0.00018.
gnomAD v4.1: 69 of 1,612,716 alleles (0.0043%); highest among the groups gnomAD compares: Non-Finnish European, 0.0054%; no homozygotes.

Submissions (10):

PreventionGenetics, part of Exact Sciences
Classification: Uncertain significance for TTN-related condition. Last evaluated: 2026-03-10. Review status: criteria provided, single submitter. Criteria: ACMG Guidelines, 2015. Collection method: clinical testing. Allele origin: germline.
Comment: The TTN c.68632G>A variant is predicted to result in the amino acid substitution p.Val22878Met. To our knowledge, this variant has not been reported in the literature. This variant is reported in 0.021% of alleles in individuals of European (Non-Finnish) descent in gnomAD. At this time, the clinical significance of this variant is uncertain due to the absence of conclusive functional and genetic evidence.

Molecular Diagnostic Laboratory for Inherited Cardiovascular Disease, Montreal Heart Institute
Classification: Likely benign. Last evaluated: 2025-04-09. Review status: criteria provided, single submitter. Criteria: ACMG Guidelines, 2015. Collection method: clinical testing. Allele origin: germline. Affected: no.
Comment: BP1

Blueprint Genetics
Classification: Likely benign. Last evaluated: 2024-03-11. Review status: criteria provided, single submitter. Criteria: ACMG Guidelines, 2015. Collection method: clinical testing. Allele origin: germline.

Ambry Genetics
Classification: Likely benign for Cardiovascular phenotype. Last evaluated: 2019-09-06. Review status: criteria provided, single submitter. Criteria: Ambry Variant Classification Scheme 2023. Collection method: clinical testing. Allele origin: germline.

Illumina Laboratory Services, Illumina
Classification: Uncertain significance for Autosomal recessive limb-girdle muscular dystrophy type 2J. Last evaluated: 2018-01-13. Review status: criteria provided, single submitter. Criteria: ICSL Variant Classification Criteria 13 December 2019. Collection method: clinical testing. Allele origin: germline.

Illumina Laboratory Services, Illumina
Classification: Benign for Myopathy, myofibrillar, 9, with early respiratory failure. Last evaluated: 2018-01-13. Review status: criteria provided, single submitter. Criteria: ICSL Variant Classification Criteria 13 December 2019. Collection method: clinical testing. Allele origin: germline.
Comment: This variant was observed in the ICSL laboratory as part of a predisposition screen in an ostensibly healthy population. It had not been previously curated by ICSL or reported in the Human Gene Mutation Database (HGMD: prior to June 1st, 2018), and was therefore a candidate for classification through an automated scoring system. Utilizing variant allele frequency, disease prevalence and penetrance estimates, and inheritance mode, an automated score was calculated to assess if this variant is too frequent to cause the disease. Based on the score and internal cut-off values, a variant classified as benign is not then subjected to further curation. The score for this variant resulted in a classification of benign for this disease.

Illumina Laboratory Services, Illumina
Classification: Benign for Tibial muscular dystrophy. Last evaluated: 2018-01-13. Review status: criteria provided, single submitter. Criteria: ICSL Variant Classification Criteria 13 December 2019. Collection method: clinical testing. Allele origin: germline.
Comment: the same text as in the submission from Illumina Laboratory Services, Illumina above.

Illumina Laboratory Services, Illumina
Classification: Uncertain significance for Early-onset myopathy with fatal cardiomyopathy. Last evaluated: 2018-01-13. Review status: criteria provided, single submitter. Criteria: ICSL Variant Classification Criteria 13 December 2019. Collection method: clinical testing. Allele origin: germline.

Illumina Laboratory Services, Illumina
Classification: Uncertain significance for Dilated cardiomyopathy 1G. Last evaluated: 2018-01-13. Review status: criteria provided, single submitter. Criteria: ICSL Variant Classification Criteria 13 December 2019. Collection method: clinical testing. Allele origin: germline.

Athena Diagnostics
Classification: Uncertain significance. Last evaluated: 2017-08-28. Review status: criteria provided, single submitter. Criteria: Athena Diagnostics Criteria. Collection method: clinical testing. Allele origin: germline.